The following is an entry in ClinVar:

NM_002187.3(IL12B):c.364+1G>T

Gene: IL12B (interleukin 12B; minus strand). Cytogenetic location: 5q33.3.
Variant type: single nucleotide variant.
Coding change: c.364+1G>T on transcript NM_002187.3 (MANE Select); the canonical splice donor site of the intron after coding-DNA position 364, G replaced by T.
Molecular consequence: splice donor variant.
Genome position (GRCh38, 1-based): chr5:159,323,053, C>A on the plus strand (G>T on the coding strand, the complement: IL12B is on the minus strand). VCF-style: chr5-159323053-C-A. GRCh37 (hg19) VCF-style: chr5-158750061-C-A.
Identifiers: ClinVar variation 2701815 (VCV002701815.3), dbSNP rs1754121564, ClinGen allele CA362034650.

ClinVar aggregate classification (germline): Likely pathogenic (1 of 4 stars; one submission).

Conditions:
Mendelian susceptibility to mycobacterial diseases due to complete IL12B deficiency. Also called: IL12B DEFICIENCY; Immunodeficiency 29. Identifiers: Orphanet 319558, MedGen C4013948, MONDO:0013954, OMIM 614890.

Allele frequency attached by ClinVar (database versions not stated): TOPMed below 0.00001.

Submission:

Labcorp Genetics (formerly Invitae), Labcorp
Classification: Likely pathogenic for Mendelian susceptibility to mycobacterial diseases due to complete IL12B deficiency. Last evaluated: 2023-12-15. Review status: criteria provided, single submitter. Criteria: Invitae Variant Classification Sherloc (09022015). Collection method: clinical testing. Allele origin: germline.
Comment: This sequence change affects a donor splice site in intron 3 of the IL12B gene. It is expected to disrupt RNA splicing. Variants that disrupt the donor or acceptor splice site typically lead to a loss of protein function (PMID: 16199547), and loss-of-function variants in IL12B are known to be pathogenic (PMID: 11753820, 23429356). This variant is not present in population databases (gnomAD no frequency). This variant has not been reported in the literature in individuals affected with IL12B-related conditions. Algorithms developed to predict the effect of sequence changes on RNA splicing suggest that this variant may disrupt the consensus splice site. In summary, the currently available evidence indicates that the variant is pathogenic, but additional data are needed to prove that conclusively. Therefore, this variant has been classified as Likely Pathogenic.

Literature cited by the submitters: PubMed 16199547; PubMed 11753820; PubMed 23429356.